The following is an entry in ClinVar:

NM_198904.4(GABRG2):c.770-1G>A

Gene: GABRG2 (gamma-aminobutyric acid type A receptor subunit gamma2; plus strand). Cytogenetic location: 5q34.
Variant type: single nucleotide variant.
Coding change: c.770-1G>A on transcript NM_198904.4 (MANE Select); the canonical splice acceptor site of the intron before coding-DNA position 770, G replaced by A.
Molecular consequence: splice acceptor variant. On other transcripts: intron variant (2).
Genome position (GRCh38, 1-based): chr5:162,142,163, G>A. VCF-style: chr5-162142163-G-A. GRCh37 (hg19) VCF-style: chr5-161569169-G-A.
Other names: c.485-1G>A (NM_001375349.1); c.890-1G>A (NM_001375343.1, NM_198903.2); c.809-1G>A (NM_001375344.1); c.770-1G>A (NM_001375340.1, NM_000816.3); c.770-4G>A (NM_001375341.1, NM_001375342.1); c.350-1G>A (NM_001375350.1, NM_001375348.1); c.761-1G>A (NM_001375339.1); c.704-1G>A (NM_001375346.1, NM_001375345.1); and 1 more.
Identifiers: ClinVar variation 205545 (VCV000205545.2), dbSNP rs796052507, ClinGen allele CA314722.
Genomic context (GRCh38, chr5:162,142,163, plus strand): 5'-GTTTTAATGTTTTCCAGTGATTGATAAAGGGTTGTATGGTGTTATCTTTGGTCTGTTCCA[G>A]GAGATTATGTGGTCATGTCTGTCTACTTTGATCTGAGCAGAAGAATGGGATACTTTACCA-3'

ClinVar aggregate classification (germline): Pathogenic (1 of 4 stars; one submission).

Submission:

GeneDx
Classification: Pathogenic. Last evaluated: 2013-07-09. Review status: criteria provided, single submitter. Criteria: GeneDx Variant Classification (06012015). Collection method: clinical testing. Allele origin: germline. Affected: yes.
Comment: c.770-1 G>A: IVS6-1 G>A in intron 6 of the GABRG2 gene (NM_000816.3) The c.770-1 G>A splice site mutation in the GABRG2 gene destroys the canonical splice acceptor site in intron 6. It is predicted to cause abnormal gene splicing, either leading to an abnormal message that is subject to nonsense-mediated mRNA decay, or to an abnormal protein product if the message is used for protein translation. Although this mutation has not been previously reported to our knowledge, another splice site mutation in GABRG2 has been reported in association with epilepsy. Therefore, the c.770-1 G>A variant is interpreted as pathogenic. The variant is found in CHILD-EPI panel(s).